The following is an entry in ClinVar:

NM_001364905.1(LRBA):c.5876A>G (p.Asn1959Ser)

Gene: LRBA (LPS responsive beige-like anchor protein; minus strand). Cytogenetic location: 4q31.3.
Variant type: single nucleotide variant.
Coding change: c.5876A>G on transcript NM_001364905.1 (MANE Select); coding-DNA position 5876, A replaced by G.
Protein change: p.Asn1959Ser; replaces asparagine 1959 with serine.
Molecular consequence: missense variant.
Genome position (GRCh38, 1-based): chr4:150,683,596, T>C on the plus strand (A>G on the coding strand, the complement: LRBA is on the minus strand). VCF-style: chr4-150683596-T-C. GRCh37 (hg19) VCF-style: chr4-151604748-T-C.
Other names: c.5876A>G, p.Asn1959Ser (NM_001199282.3, NM_001367550.1, NM_006726.5); short protein forms N1959S.
Identifiers: ClinVar variation 1045586 (VCV001045586.26), dbSNP rs369187914, ClinGen allele CA3102325.

ClinVar aggregate classification (germline): Uncertain significance. Review status: criteria provided, multiple submitters, no conflicts (2 of 4 stars). 4 submissions from 4 submitters: Uncertain significance (3). 1 of the submissions does not count toward it. Last evaluated 2024-09-30.

Conditions:
LRBA-related disorder. Also called: LRBA-related condition.
Inborn genetic diseases. Identifiers: MedGen C0950123, MeSH D030342.
Combined immunodeficiency due to LRBA deficiency. Also called: Common variable immunodeficiency 8, with autoimmunity. Identifiers: Orphanet 445018, MedGen C3553512, MONDO:0013863, OMIM 614700.

Allele frequency attached by ClinVar (database versions not stated): gnomAD exomes 0.00004 and 0.00005; ExAC 0.00005; ESP Exome Variant Server 0.00008; gnomAD 0.00009 and 0.00010; TOPMed 0.00010.
gnomAD v4.1: 75 of 1,613,842 alleles (0.0046%); highest among the groups gnomAD compares: African/African-American, 0.016%; no homozygotes.

Submissions (4):

Ambry Genetics
Classification: Uncertain significance for Inborn genetic diseases. Last evaluated: 2024-09-30. Review status: criteria provided, single submitter. Criteria: Ambry Variant Classification Scheme 2023. Collection method: clinical testing. Allele origin: germline.

CeGaT Center for Human Genetics Tuebingen
Classification: Uncertain significance. Last evaluated: 2024-03-01. Review status: criteria provided, single submitter. Criteria: CeGaT Center For Human Genetics Tuebingen Variant Classification Criteria Version 2. Collection method: clinical testing. Allele origin: germline. Affected: yes. Observed: 1 variant allele.
Comment: LRBA: PM2

Labcorp Genetics (formerly Invitae), Labcorp
Classification: Uncertain significance for Combined immunodeficiency due to LRBA deficiency. Last evaluated: 2022-08-12. Review status: criteria provided, single submitter. Criteria: Invitae Variant Classification Sherloc (09022015). Collection method: clinical testing. Allele origin: germline.
Comment: This sequence change replaces asparagine, which is neutral and polar, with serine, which is neutral and polar, at codon 1959 of the LRBA protein (p.Asn1959Ser). This variant is present in population databases (rs369187914, gnomAD 0.02%). This variant has not been reported in the literature in individuals affected with LRBA-related conditions. ClinVar contains an entry for this variant (Variation ID: 1045586). Algorithms developed to predict the effect of missense changes on protein structure and function are either unavailable or do not agree on the potential impact of this missense change (SIFT: "Tolerated"; PolyPhen-2: "Probably Damaging"; Align-GVGD: "Class C0"). In summary, the available evidence is currently insufficient to determine the role of this variant in disease. Therefore, it has been classified as a Variant of Uncertain Significance.

PreventionGenetics, part of Exact Sciences
Classification: Uncertain significance for LRBA-related condition. Last evaluated: 2024-03-28. Review status: no assertion criteria provided. Collection method: clinical testing. Allele origin: germline. Not counted in ClinVar's aggregate classification.
Comment: The LRBA c.5876A>G variant is predicted to result in the amino acid substitution p.Asn1959Ser. To our knowledge, this variant has not been reported in the literature. This variant is reported in 0.031% of alleles in individuals of African descent in gnomAD. At this time, the clinical significance of this variant is uncertain due to the absence of conclusive functional and genetic evidence.